The following is an entry in ClinVar:

ClinVar aggregate classification (germline): Uncertain significance. Review status: criteria provided, multiple submitters, no conflicts (2 of 4 stars). 3 submissions from 3 submitters: Uncertain significance (3). Last evaluated 2025-09-02.

Conditions:
Intellectual developmental disorder, X-linked 1. Also called: Intellectual disability, X-linked 1; Atkin Flaitz Patil Smith syndrome; MENTAL RETARDATION, X-LINKED 18; MENTAL RETARDATION, X-LINKED 78. Identifiers: Orphanet 777, MedGen C2931498, MONDO:0010656, OMIM 309530.

Allele frequency attached by ClinVar (database versions not stated): TOPMed below 0.00001; gnomAD exomes 0.00001.
gnomAD v4.1: 5 of 1,126,886 alleles (0.00044%); highest among the groups gnomAD compares: Non-Finnish European, 0.00047%; no homozygotes.

Submissions (3):

Labcorp Genetics (formerly Invitae), Labcorp
Classification: Uncertain significance for Intellectual developmental disorder, X-linked 1. Last evaluated: 2025-09-02. Review status: criteria provided, single submitter. Criteria: Invitae Variant Classification Sherloc (09022015). Collection method: clinical testing. Allele origin: germline.
Comment: This sequence change replaces arginine, which is basic and polar, with cysteine, which is neutral and slightly polar, at codon 1320 of the IQSEC2 protein (p.Arg1320Cys). This variant is not present in population databases (gnomAD no frequency). This variant has not been reported in the literature in individuals affected with IQSEC2-related conditions. ClinVar contains an entry for this variant (Variation ID: 1460948). Invitae Evidence Modeling of protein sequence and biophysical properties (such as structural, functional, and spatial information, amino acid conservation, physicochemical variation, residue mobility, and thermodynamic stability) indicates that this missense variant is not expected to disrupt IQSEC2 protein function with a negative predictive value of 95%. In summary, the available evidence is currently insufficient to determine the role of this variant in disease. Therefore, it has been classified as a Variant of Uncertain Significance.

GeneDx
Classification: Uncertain significance. Last evaluated: 2022-12-05. Review status: criteria provided, single submitter. Criteria: GeneDx Variant Classification Process June 2021. Collection method: clinical testing. Allele origin: germline. Affected: yes.
Comment: Not observed at significant frequency in large population cohorts (gnomAD); In silico analysis supports that this missense variant does not alter protein structure/function; Has not been previously published as pathogenic or benign to our knowledge

Laboratorio de Genetica e Diagnostico Molecular, Hospital Israelita Albert Einstein
Classification: Uncertain significance. Last evaluated: 2021-10-07. Review status: criteria provided, single submitter. Criteria: ACMG Guidelines, 2015. Collection method: clinical testing. Allele origin: germline. Affected: yes.
Comment: ACMG classification criteria: PM2, BP4

NM_001111125.3(IQSEC2):c.3958C>T (p.Arg1320Cys)

Gene: IQSEC2 (IQ motif and Sec7 domain ArfGEF 2; minus strand). Cytogenetic location: Xp11.22.
Variant type: single nucleotide variant.
Coding change: c.3958C>T on transcript NM_001111125.3 (MANE Select); coding-DNA position 3958, C replaced by T.
Protein change: p.Arg1320Cys; replaces arginine 1320 with cysteine.
Molecular consequence: missense variant. On other transcripts: 3 prime UTR variant (1).
Genome position (GRCh38, 1-based): chrX:53,234,728, G>A on the plus strand (C>T on the coding strand, the complement: IQSEC2 is on the minus strand). VCF-style: chrX-53234728-G-A. GRCh37 (hg19) VCF-style: chrX-53263910-G-A.
Other names: c.*443C>T (NM_015075.2); c.3958C>T (NM_001111125.1); short protein forms R1320C.
Identifiers: ClinVar variation 1460948 (VCV001460948.10), dbSNP rs1556859104, ClinGen allele CA413140023.